The following is an entry in ClinVar:

NM_024422.6(DSC2):c.2251-74_2279del

Gene: DSC2 (desmocollin 2; minus strand). Cytogenetic location: 18q12.1.
Variant type: Deletion.
Coding change: c.2251-74_2279del on transcript NM_024422.6 (MANE Select); 74 bases into the intron before coding-DNA position 2251 through coding-DNA position 2279, 103 bases deleted.
Molecular consequence: splice acceptor variant.
Genome position (GRCh38, 1-based): chr18:31,069,123-31,069,225, 103 bases deleted. GRCh37 (hg19): chr18:28,649,090-28,649,192.
Other names: c.2251-74_2279del (NM_004949.5); c.1822-74_1850del (NM_001406506.1, NM_001406507.1).
Identifiers: ClinVar variation 2499179 (VCV002499179.2), dbSNP rs2510938201, ClinGen allele CA8924776.

ClinVar aggregate classification (germline): Conflicting classifications of pathogenicity. Review status: criteria provided, conflicting classifications (1 of 4 stars). 2 submissions from 2 submitters: Likely pathogenic (1); Uncertain significance (1). Last evaluated 2022-10-06.

Submissions (2):

GeneDx
Classification: Likely pathogenic. Last evaluated: 2022-10-06. Review status: criteria provided, single submitter. Criteria: GeneDx Variant Classification Process June 2021. Collection method: clinical testing. Allele origin: germline. Affected: yes.
Comment: Observed among a large cohort of unselected individuals evaluated by whole exome sequencing (Carruth et al., 2019); Canonical splice site variant expected to result in aberrant splicing, although in the absence of functional evidence the actual effect of this sequence change is unknown.; Not observed at significant frequency in large population cohorts (gnomAD); This variant is associated with the following publications: (PMID: 31638835)

Blueprint Genetics
Classification: Uncertain significance. Last evaluated: 2022-09-05. Review status: criteria provided, single submitter. Criteria: ACMG Guidelines, 2015. Collection method: clinical testing. Allele origin: germline.